The following is an entry in ClinVar:

ClinVar aggregate classification (germline): Likely benign (1 of 4 stars; one submission).

Conditions:
Hereditary leiomyomatosis and renal cell cancer. Also called: MULTIPLE CUTANEOUS AND UTERINE LEIOMYOMATA 1, WITH OR WITHOUT RENAL CELL CARCINOMA; LEIOMYOMA, MULTIPLE CUTANEOUS; Reed syndrome; Multiple cutaneous and uterine leiomyomatosis; Cutaneous leiomyomata with uterine leiomyomata; Leiomyoma, hereditary multiple, of skin. Identifiers: Orphanet 523, MedGen C1708350, MONDO:0007888, OMIM 150800, HP:0007437. Disease mechanism: loss of function.

Submission:

Myriad Genetics, Inc.
Classification: Likely benign for Hereditary leiomyomatosis and renal cell cancer. Last evaluated: 2024-08-07. Review status: criteria provided, single submitter. Criteria: Myriad Autosomal Dominant, Autosomal Recessive and X-Linked Classification Criteria (2023). Collection method: clinical testing. Allele origin: unknown.
Comment: This variant is considered likely benign. This variant has been observed at a population frequency that is significantly greater than expected given the associated disease prevalence and penetrance.

NM_000143.4(FH):c.-15A>T

Gene: FH (fumarate hydratase; minus strand). Cytogenetic location: 1q43.
Variant type: single nucleotide variant.
Coding change: c.-15A>T on transcript NM_000143.4 (MANE Select); 15 bases upstream of the start codon, A replaced by T.
Molecular consequence: 5 prime UTR variant.
Genome position (GRCh38, 1-based): chr1:241,519,737, T>A on the plus strand (A>T on the coding strand, the complement: FH is on the minus strand). VCF-style: chr1-241519737-T-A. GRCh37 (hg19) VCF-style: chr1-241683037-T-A.
Identifiers: ClinVar variation 3379055 (VCV003379055.1).
Genomic context (GRCh38, chr1:241,519,737, plus strand): 5'-GCACGAGGGGACGCGAGCGCGCGAGGAGCCGAAGTGCTCGGTACATGGTGCTGAGGGAGC[T>A]TGGGTAGAATTTCTGGGCGGCTGTGGCCACGCCTCCACGCCGGTTGTCAGAAACCGTTCC-3'